The following is an entry in ClinVar:

ClinVar aggregate classification (germline): Uncertain significance. Review status: criteria provided, multiple submitters, no conflicts (2 of 4 stars). 4 submissions from 4 submitters: Uncertain significance (4). Last evaluated 2023-12-07.

Conditions:
Beta-D-mannosidosis (MANSB). Also called: MANNOSIDOSIS, BETA A, LYSOSOMAL; BETA-MANNOSIDASE DEFICIENCY; LYSOSOMAL BETA-MANNOSIDASE DEFICIENCY; Beta-Mannosidosis. Identifiers: Orphanet 118, MedGen C4048196, MONDO:0009562, OMIM 248510.

Submissions (4):

Women's Health and Genetics/Laboratory Corporation of America, LabCorp
Classification: Uncertain significance. Last evaluated: 2023-12-07. Review status: criteria provided, single submitter. Criteria: LabCorp Variant Classification Summary - May 2015. Collection method: clinical testing. Allele origin: germline.
Comment: Variant summary: MANBA c.2544_2545delGA (p.Lys849AspfsX16) results in a premature termination codon and is predicted to cause a truncation of the encoded protein but is not expected to result in an absence of the protein due to nonsense mediated decay. Variants downstream of this position have not been classified as pathogenic by our laboratory or others in ClinVar and have not been reported as disease-causing in the HGMD database. The variant allele was found at a frequency of 3.2e-05 in 251414 control chromosomes (gnomAD). The available data on variant occurrences in the general population are insufficient to allow any conclusion about variant significance. To our knowledge, no occurrence of c.2544_2545delGA in individuals affected with Beta-Mannosidosis and no experimental evidence demonstrating its impact on protein function have been reported. One submitter has cited a clinical-significance assessment for this variant to ClinVar after 2014 and has classified the variant as uncertain significance. Based on the evidence outlined above, the variant was classified as uncertain significance.

GeneDx
Classification: Uncertain significance. Last evaluated: 2023-11-27. Review status: criteria provided, single submitter. Criteria: GeneDx Variant Classification Process June 2021. Collection method: clinical testing. Allele origin: germline. Affected: yes.
Comment: Frameshift variant predicted to result in abnormal protein length as the last 31 amino acids are replaced with 15 different amino acids; Has not been previously published as pathogenic or benign to our knowledge

Labcorp Genetics (formerly Invitae), Labcorp
Classification: Uncertain significance for Beta-D-mannosidosis. Last evaluated: 2022-04-20. Review status: criteria provided, single submitter. Criteria: Invitae Variant Classification Sherloc (09022015). Collection method: clinical testing. Allele origin: germline.
Comment: This sequence change creates a premature translational stop signal (p.Lys849Aspfs*16) in the MANBA gene. While this is not anticipated to result in nonsense mediated decay, it is expected to disrupt the last 31 amino acid(s) of the MANBA protein. This variant is present in population databases (rs749997217, gnomAD 0.04%). This variant has not been reported in the literature in individuals affected with MANBA-related conditions. ClinVar contains an entry for this variant (Variation ID: 1018273). Experimental studies and prediction algorithms are not available or were not evaluated, and the functional significance of this variant is currently unknown. In summary, the available evidence is currently insufficient to determine the role of this variant in disease. Therefore, it has been classified as a Variant of Uncertain Significance.

Breakthrough Genomics
Classification: Uncertain significance. Review status: criteria provided, single submitter. Criteria: ACMG Guidelines, 2015. Collection method: not provided. Allele origin: germline. Inheritance: Autosomal recessive inheritance. Affected: yes.

NM_005908.4(MANBA):c.2544_2545del (p.Lys849fs)

Gene: MANBA (mannosidase beta; minus strand). Cytogenetic location: 4q24.
Variant type: Microsatellite.
Coding change: c.2544_2545del on transcript NM_005908.4 (MANE Select); coding-DNA positions 2544 to 2545, 2 bases deleted (GA; older notation c.2544_2545delGA).
Protein change: p.Lys849fs; shifts the reading frame from lysine 849.
Molecular consequence: frameshift variant.
Genome position (GRCh38, 1-based): chr4:102,632,152-102,632,153, TC deleted on the plus strand (GA on the coding strand, the reverse complement: MANBA is on the minus strand); deleting any 2 consecutive bases within chr4:102,632,152-102,632,155 gives the same sequence; the c. name uses the placement nearest the transcript's 3' end. VCF-style (leftmost placement, unchanged base first): chr4-102632151-TTC-T. GRCh37 (hg19) VCF-style: chr4-103553308-TTC-T.
Other names: c.2544_2545delGA (NM_005908.4, NM_005908.3); c.2544_2545del (NM_005908.3); short protein forms K849fs.
Identifiers: ClinVar variation 1018273 (VCV001018273.6), dbSNP rs749997217, ClinGen allele CA3026590.